The following is an entry in ClinVar:

ClinVar aggregate classification (germline): Uncertain significance (1 of 4 stars; one submission).

Conditions:
IFT56-related disorder. Also called: IFT56-related condition.

Submission:

PreventionGenetics, part of Exact Sciences
Classification: Uncertain significance for IFT56-related condition. Last evaluated: 2026-07-11. Review status: criteria provided, single submitter. Criteria: ACMG Guidelines, 2015. Collection method: clinical testing. Allele origin: germline.
Comment: The IFT56 c.3+1G>T variant is predicted to disrupt the GT donor site and interfere with normal splicing. To our knowledge, this variant has not been reported in the literature or in a large population database (gnomAD), indicating this variant is rare. At this time, the clinical significance of this variant is uncertain due to the absence of conclusive functional and genetic evidence.

NM_024926.4(IFT56):c.3+1G>T

Genes: IFT56 (intraflagellar transport 56; plus strand), LOC113687197 (Sharpr-MPRA regulatory region 8039; plus strand). Cytogenetic location: 7q34.
Variant type: single nucleotide variant.
Coding change: c.3+1G>T on transcript NM_024926.4 (MANE Select); the canonical splice donor site of the intron after coding-DNA position 3, G replaced by T.
Molecular consequence: splice donor variant.
Genome position (GRCh38, 1-based): chr7:139,133,861, G>T. VCF-style: chr7-139133861-G-T. GRCh37 (hg19) VCF-style: chr7-138818607-G-T.
Other names: c.-579+1G>T (NM_001318333.2); c.3+1G>T (NM_001321740.2, NM_001144920.3, NM_001321741.2 and 3 more transcripts); c.-242+1G>T (NM_001287513.2).
Identifiers: ClinVar variation 4983568 (VCV004983568.1).
Genomic context (GRCh38, chr7:139,133,861, plus strand): 5'-GAAACGCTGAGGCGCGGCCTTCGCTGTGTGGTGGGGACTCACAAGACCGACGTCAAGATG[G>T]TTAGTGGCTCTGAATAGTAAGGGAGTACTTTGAGTAGGTCCTGAGGCTGGCGATTAGAGG-3'